The following is an entry in ClinVar:

NM_001429.4(EP300):c.2774dup (p.Thr926fs)

Gene: EP300 (E1A binding protein p300; plus strand). Cytogenetic location: 22q13.2.
Variant type: Duplication.
Coding change: c.2774dup on transcript NM_001429.4 (MANE Select); coding-DNA position 2774, one base duplicated (C; older notation c.2774dupC).
Protein change: p.Thr926fs; shifts the reading frame from threonine 926.
Molecular consequence: frameshift variant.
Genome position (GRCh38, 1-based): chr22:41,150,155, C duplicated; the last of 2 consecutive C bases (chr22:41,150,154-41,150,155); duplicating either gives the same sequence. VCF-style (leftmost placement, unchanged base first): chr22-41150153-T-TC. GRCh37 (hg19) VCF-style: chr22-41546157-T-TC.
Other names: c.2696dup, p.Thr900fs (NM_001362843.2); short protein forms T900fs, T926fs.
Identifiers: ClinVar variation 134037 (VCV000134037.1), dbSNP rs587778253, ClinGen allele CA158485.

ClinVar aggregate classification (germline): not provided (0 of 4 stars; one submission).

Submission:

ITMI
No classification provided. Condition: AllHighlyPenetrant. Last evaluated: 2013-09-19. Review status: no classification provided. Collection method: reference population. Allele origin: germline.
Comment: Please see associated publication for description of ethnicities

Literature cited by the submitters: PubMed 24728327.